The following is an entry in ClinVar:

ClinVar aggregate classification (germline): Uncertain significance (1 of 4 stars; one submission).

Conditions:
Inborn genetic diseases. Identifiers: MedGen C0950123, MeSH D030342.

Submission:

Ambry Genetics
Classification: Uncertain significance for Inborn genetic diseases. Last evaluated: 2026-07-04. Review status: criteria provided, single submitter. Criteria: Ambry Variant Classification Scheme 2023. Collection method: clinical testing. Allele origin: germline.
Comment: The p.M333I variant (also known as c.999G>A), located in coding exon 11 of the ASXL1 gene, results from a G to A substitution at nucleotide position 999. The methionine at codon 333 is replaced by isoleucine, an amino acid with highly similar properties. This amino acid position is conserved. In addition, this alteration is predicted to be tolerated by in silico analysis. Based on the available evidence, the clinical significance of this variant remains unclear.

NM_015338.6(ASXL1):c.999G>A (p.Met333Ile)

Gene: ASXL1 (ASXL transcriptional regulator 1; plus strand). Cytogenetic location: 20q11.21.
Variant type: single nucleotide variant.
Coding change: c.999G>A on transcript NM_015338.6 (MANE Select); coding-DNA position 999, G replaced by A.
Protein change: p.Met333Ile; replaces methionine 333 with isoleucine.
Molecular consequence: missense variant.
Genome position (GRCh38, 1-based): chr20:32,432,899, G>A. VCF-style: chr20-32432899-G-A. GRCh37 (hg19) VCF-style: chr20-31020702-G-A.
Other names: c.816G>A, p.Met272Ile (NM_001363734.1); short protein forms M272I, M333I.
Identifiers: ClinVar variation 5029805 (VCV005029805.1).